The following is an entry in ClinVar:

NM_001165963.4(SCN1A):c.4102T>G (p.Leu1368Val)

Genes: SCN1A (sodium voltage-gated channel alpha subunit 1; minus strand), LOC102724058 (uncharacterized LOC102724058; plus strand). Cytogenetic location: 2q24.3.
Variant type: single nucleotide variant.
Coding change: c.4102T>G on transcript NM_001165963.4 (MANE Select); coding-DNA position 4102, T replaced by G.
Protein change: p.Leu1368Val; replaces leucine 1368 with valine.
Molecular consequence: missense variant. On other transcripts: non-coding transcript variant (1).
Genome position (GRCh38, 1-based): chr2:166,002,654, A>C on the plus strand (T>G on the coding strand, the complement: SCN1A is on the minus strand). VCF-style: chr2-166002654-A-C. GRCh37 (hg19) VCF-style: chr2-166859164-A-C.
Other names: c.4018T>G, p.Leu1340Val (NM_001165964.3, NM_001353957.2, NM_001353958.2); c.4102T>G, p.Leu1368Val (NM_001202435.3, NM_001353948.2); c.4069T>G, p.Leu1357Val (NM_001353949.2, NM_001353950.2, NM_001353951.2 and 2 more transcripts); c.4066T>G, p.Leu1356Val (NM_001353954.2, NM_001353955.2); c.4015T>G, p.Leu1339Val (NM_001353960.2); c.1660T>G, p.Leu554Val (NM_001353961.2); short protein forms L1368V, L1357V, L554V, L1356V, L1339V, L1340V.
Identifiers: ClinVar variation 530502 (VCV000530502.8), dbSNP rs1553525227, ClinGen allele CA349050453.

ClinVar aggregate classification (germline): Uncertain significance (1 of 4 stars; one submission).

Conditions:
Early-infantile DEE. Also called: Early infantile epileptic encephalopathy; Early infantile epileptic encephalopathy with suppression bursts; Ohtahara syndrome. Identifiers: Orphanet 1934, MedGen C0393706, MONDO:0800491.

Submission:

Labcorp Genetics (formerly Invitae), Labcorp
Classification: Uncertain significance for Early-infantile DEE. Last evaluated: 2018-01-16. Review status: criteria provided, single submitter. Criteria: Invitae Variant Classification Sherloc (09022015). Collection method: clinical testing. Allele origin: germline.
Comment: In summary, the available evidence is currently insufficient to determine the role of this variant in disease. Therefore, it has been classified as a Variant of Uncertain Significance. Algorithms developed to predict the effect of missense changes on protein structure and function do not agree on the potential impact of this missense change (SIFT: "Tolerated"; PolyPhen-2: "Probably Damaging"; Align-GVGD: "Class C0"). This variant has not been reported in the literature in individuals with SCN1A-related disease. This variant is not present in population databases (ExAC no frequency). This sequence change replaces leucine with valine at codon 1368 of the SCN1A protein (p.Leu1368Val). The leucine residue is highly conserved and there is a small physicochemical difference between leucine and valine.